The following is an entry in ClinVar:

ClinVar aggregate classification (germline): Uncertain significance. Review status: criteria provided, multiple submitters, no conflicts (2 of 4 stars). 4 submissions from 4 submitters: Uncertain significance (4). Last evaluated 2025-11-11.

Conditions:
Hereditary cancer-predisposing syndrome. Also called: Hereditary neoplastic syndrome; Neoplastic Syndromes, Hereditary; Tumor predisposition; Hereditary Cancer Syndrome. Identifiers: Orphanet 140162, MedGen C0027672, MeSH D009386, MONDO:0015356.
Familial adenomatous polyposis 1 (FAP1). Also called: FAMILIAL ADENOMATOUS POLYPOSIS 1, ATTENUATED; POLYPOSIS, ADENOMATOUS INTESTINAL. Identifiers: MedGen C2713442, MONDO:0021056, OMIM 175100. Disease mechanism: loss of function.

Allele frequency attached by ClinVar (database versions not stated): gnomAD 0.00001; TOPMed 0.00001.
gnomAD v4.1: 1 of 1,613,922 alleles (0.000062%); highest among the groups gnomAD compares: African/African-American, 0.0013%; no homozygotes.

Submissions (4):

Women's Health and Genetics/Laboratory Corporation of America, LabCorp
Classification: Uncertain significance. Last evaluated: 2025-11-11. Review status: criteria provided, single submitter. Criteria: LabCorp Variant Classification Summary - May 2015. Collection method: clinical testing. Allele origin: germline.

Ambry Genetics
Classification: Uncertain significance for Hereditary cancer-predisposing syndrome. Last evaluated: 2025-11-02. Review status: criteria provided, single submitter. Criteria: Ambry Variant Classification Scheme 2023. Collection method: clinical testing. Allele origin: germline.

Labcorp Genetics (formerly Invitae), Labcorp
Classification: Uncertain significance for Familial adenomatous polyposis 1. Last evaluated: 2025-02-15. Review status: criteria provided, single submitter. Criteria: Invitae Variant Classification Sherloc (09022015). Collection method: clinical testing. Allele origin: germline.
Comment: This sequence change replaces threonine, which is neutral and polar, with isoleucine, which is neutral and non-polar, at codon 131 of the APC protein (p.Thr131Ile). This variant is present in population databases (no rsID available, gnomAD 0.01%). This variant has not been reported in the literature in individuals affected with APC-related conditions. ClinVar contains an entry for this variant (Variation ID: 1004774). Invitae Evidence Modeling of protein sequence and biophysical properties (such as structural, functional, and spatial information, amino acid conservation, physicochemical variation, residue mobility, and thermodynamic stability) indicates that this missense variant is not expected to disrupt APC protein function with a negative predictive value of 95%. In summary, the available evidence is currently insufficient to determine the role of this variant in disease. Therefore, it has been classified as a Variant of Uncertain Significance.

Baylor Genetics
Classification: Uncertain significance for Familial adenomatous polyposis 1. Last evaluated: 2024-01-25. Review status: criteria provided, single submitter. Criteria: ACMG Guidelines, 2015. Collection method: clinical testing. Allele origin: unknown.

NM_000038.6(APC):c.392C>T (p.Thr131Ile)

Gene: APC (APC regulator of Wnt signaling pathway; plus strand). Cytogenetic location: 5q22.2.
Variant type: single nucleotide variant.
Coding change: c.392C>T on transcript NM_000038.6 (MANE Select); coding-DNA position 392, C replaced by T.
Protein change: p.Thr131Ile; replaces threonine 131 with isoleucine.
Molecular consequence: missense variant. On other transcripts: 5 prime UTR variant (1).
Genome position (GRCh38, 1-based): chr5:112,767,360, C>T. VCF-style: chr5-112767360-C-T. GRCh37 (hg19) VCF-style: chr5-112103057-C-T.
Other names: c.392C>T, p.Thr131Ile (NM_001127510.3, NM_001354895.2, NM_001354896.2 and 2 more transcripts); c.422C>T, p.Thr141Ile (NM_001127511.3, NM_001354897.2, NM_001354902.2); c.317C>T, p.Thr106Ile (NM_001354898.2, NM_001354904.2); c.215C>T, p.Thr72Ile (NM_001354900.2, NM_001354901.2, NM_001354905.2); c.-644C>T (NM_001354906.2); short protein forms T106I, T131I, T141I, T72I.
Identifiers: ClinVar variation 1004774 (VCV001004774.16), dbSNP rs1387998721, ClinGen allele CA16022177.